The following is an entry in ClinVar:

ClinVar aggregate classification (germline): Uncertain significance (1 of 4 stars; one submission).

Conditions:
Tuberous sclerosis 1 (TSC1). Identifiers: Orphanet 805, MedGen C1854465, MONDO:0008612, OMIM 191100.

Submission:

Labcorp Genetics (formerly Invitae), Labcorp
Classification: Uncertain significance for Tuberous sclerosis 1. Last evaluated: 2024-03-07. Review status: criteria provided, single submitter. Criteria: Invitae Variant Classification Sherloc (09022015). Collection method: clinical testing. Allele origin: germline.
Comment: This sequence change replaces arginine, which is basic and polar, with leucine, which is neutral and non-polar, at codon 692 of the TSC1 protein (p.Arg692Leu). This variant is not present in population databases (gnomAD no frequency). This variant has not been reported in the literature in individuals affected with TSC1-related conditions. ClinVar contains an entry for this variant (Variation ID: 1999194). Advanced modeling of protein sequence and biophysical properties (such as structural, functional, and spatial information, amino acid conservation, physicochemical variation, residue mobility, and thermodynamic stability) performed at Invitae indicates that this missense variant is not expected to disrupt TSC1 protein function with a negative predictive value of 95%. In summary, the available evidence is currently insufficient to determine the role of this variant in disease. Therefore, it has been classified as a Variant of Uncertain Significance.

NM_000368.5(TSC1):c.2075G>T (p.Arg692Leu)

Gene: TSC1 (TSC complex subunit 1; minus strand). Cytogenetic location: 9q34.13.
Variant type: single nucleotide variant.
Coding change: c.2075G>T on transcript NM_000368.5 (MANE Select); coding-DNA position 2075, G replaced by T.
Protein change: p.Arg692Leu; replaces arginine 692 with leucine.
Molecular consequence: missense variant.
Genome position (GRCh38, 1-based): chr9:132,903,784, C>A on the plus strand (G>T on the coding strand, the complement: TSC1 is on the minus strand). VCF-style: chr9-132903784-C-A. GRCh37 (hg19) VCF-style: chr9-135779171-C-A.
Other names: c.1919G>T, p.Arg640Leu (NM_001406613.1, NM_001406611.1, NM_001406612.1); c.1712G>T, p.Arg571Leu (NM_001406614.1, NM_001406615.1, NM_001406616.1 and 5 more transcripts); c.1709G>T, p.Arg570Leu (NM_001406620.1, NM_001406621.1, NM_001406622.1 and 2 more transcripts); c.2072G>T, p.Arg691Leu (NM_001162426.2, NM_001406597.1, NM_001406598.1 and 4 more transcripts); c.1922G>T, p.Arg641Leu (NM_001162427.2, NM_001406610.1); c.2075G>T, p.Arg692Leu (NM_001406592.1, NM_001406593.1, NM_001406594.1 and 5 more transcripts); c.2060G>T, p.Arg687Leu (NM_001406601.1, NM_001406602.1); c.2057G>T, p.Arg686Leu (NM_001406603.1, NM_001406604.1); and 3 more; short protein forms R341L, R571L, R641L, R374L, R375L, R570L, R687L, R691L.
Identifiers: ClinVar variation 1999194 (VCV001999194.4), dbSNP rs199755731, ClinGen allele CA375361108.